The following is an entry in ClinVar:

NM_000540.3(RYR1):c.7302A>G (p.Gly2434=)

Gene: RYR1 (ryanodine receptor 1; plus strand). Cytogenetic location: 19q13.2.
Variant type: single nucleotide variant.
Coding change: c.7302A>G on transcript NM_000540.3 (MANE Select); coding-DNA position 7302, A replaced by G.
Protein change: p.Gly2434=; no amino-acid change (glycine 2434 retained).
Molecular consequence: synonymous variant.
Genome position (GRCh38, 1-based): chr19:38,499,995, A>G. VCF-style: chr19-38499995-A-G. GRCh37 (hg19) VCF-style: chr19-38990635-A-G.
Other names: c.7302A>G, p.Gly2434= (NM_001042723.2).
Identifiers: ClinVar variation 1616987 (VCV001616987.7), dbSNP rs978688752, ClinGen allele CA308109856.

ClinVar aggregate classification (germline): Conflicting classifications of pathogenicity. Review status: criteria provided, conflicting classifications (1 of 4 stars). 2 submissions from 2 submitters: Uncertain significance (1); Likely benign (1). Last evaluated 2024-01-18.

Conditions:
RYR1-related disorder. Also called: RYR1-related condition; RYR1-related disorders. Identifiers: MedGen CN239331.
Malignant hyperthermia, susceptibility to, 1 (MHS1). Also called: Anesthesia related hyperthermia; Malignant hyperpyrexia; Fulminating hyperpyrexia; Pharmacogenic myopathy; Malignant hyperthermia suceptibility 1; RYR1-Related Malignant Hyperthermia Susceptibility. Identifiers: Orphanet 423, MedGen C2930980, MONDO:0007783, OMIM 145600.

Submissions (2):

Labcorp Genetics (formerly Invitae), Labcorp
Classification: Likely benign for RYR1-related disorder. Last evaluated: 2024-01-18. Review status: criteria provided, single submitter. Criteria: Invitae Variant Classification Sherloc (09022015). Collection method: clinical testing. Allele origin: germline.

All of Us Research Program, National Institutes of Health
Classification: Uncertain significance for Malignant hyperthermia, susceptibility to, 1. Last evaluated: 2023-08-15. Review status: criteria provided, single submitter. Criteria: ACMG Guidelines, 2015. Collection method: clinical testing. Allele origin: germline. Inheritance: Autosomal dominant inheritance. Observed: 1 variant allele, 1 heterozygote.
Comment: This variant is located in the RYR1 protein. To our knowledge, functional studies have not been reported for this variant. This variant has not been reported in individuals affected with RYR1-related disorders in the literature. This variant has not been identified in the general population by the Genome Aggregation Database (gnomAD). The available evidence is insufficient to determine the role of this variant in disease conclusively. Therefore, this variant is classified as a Variant of Uncertain Significance.

This study involves interpretation of variants in research participants for the purpose of population health screening. Participant phenotype was not available at the time of variant classification. Additional details can be found in publication PMID: 35346344, PMCID: PMC8962531